The following is an entry in ClinVar:

NM_000179.3(MSH6):c.951_952delinsAT (p.Glu318Ter)

Gene: MSH6 (mutS homolog 6; plus strand). Cytogenetic location: 2p16.3.
Variant type: Indel.
Coding change: c.951_952delinsAT on transcript NM_000179.3 (MANE Select); coding-DNA positions 951 to 952, GG replaced by AT.
Protein change: p.Glu318Ter; replaces glutamic acid 318 with a stop codon.
Molecular consequence: nonsense. On other transcripts: non-coding transcript variant (4), intron variant (1).
Genome position (GRCh38, 1-based): chr2:47,798,934-47,798,935, GG replaced by AT. VCF-style: chr2-47798934-GG-AT. GRCh37 (hg19) VCF-style: chr2-48026073-GG-AT.
Other names: c.561_562delinsAT, p.Glu188Ter (NM_001281492.2); c.45_46delinsAT, p.Glu16Ter (NM_001281493.2, NM_001281494.2, NM_001406811.1 and 6 more transcripts); c.1047_1048delinsAT, p.Glu350Ter (NM_001406795.1, NM_001406802.1); c.951_952delinsAT, p.Glu318Ter (NM_001406796.1, NM_001406798.1, NM_001406800.1 and 4 more transcripts); c.654_655delinsAT, p.Glu219Ter (NM_001406797.1, NM_001406801.1, NM_001406805.1 and 10 more transcripts); c.426_427delinsAT, p.Glu143Ter (NM_001406799.1, NM_001406806.1, NM_001406807.1); c.873_874delinsAT, p.Glu292Ter (NM_001406804.1); c.957_958delinsAT, p.Glu320Ter (NM_001406813.1); and 2 more; short protein forms E143*, E16*, E188*, E219*, E262*, E292*, E318*, E320*.
Identifiers: ClinVar variation 3893832 (VCV003893832.1).

ClinVar aggregate classification (germline): Pathogenic (1 of 4 stars; one submission).

Conditions:
Hereditary cancer-predisposing syndrome. Also called: Neoplastic Syndromes, Hereditary; Tumor predisposition; Hereditary Cancer Syndrome; Hereditary neoplastic syndrome. Identifiers: Orphanet 140162, MedGen C0027672, MeSH D009386, MONDO:0015356.

Submission:

Color Diagnostics, LLC DBA Color Health
Classification: Pathogenic for Hereditary cancer-predisposing syndrome. Last evaluated: 2024-05-06. Review status: criteria provided, single submitter. Criteria: ACMG Guidelines, 2015. Collection method: clinical testing. Allele origin: germline.
Comment: This variant deletes two nucleotides and inserts two new nucleotides in exon 4 of the MSH6 gene, creating a premature translation stop signal. This variant is expected to result in an absent or non-functional protein product. To our knowledge, this variant has not been reported in individuals affected with MSH6-related disorders in the literature. This variant has not been identified in the general population by the Genome Aggregation Database (gnomAD). Loss of MSH6 function is a known mechanism of disease. Based on the available evidence, this variant is classified as Pathogenic.